The following is an entry in ClinVar:

NM_018026.4(PACS1):c.1473G>C (p.Gln491His)

Gene: PACS1 (phosphofurin acidic cluster sorting protein 1; plus strand). Cytogenetic location: 11q13.2.
Variant type: single nucleotide variant.
Coding change: c.1473G>C on transcript NM_018026.4 (MANE Select); coding-DNA position 1473, G replaced by C.
Protein change: p.Gln491His; replaces glutamine 491 with histidine.
Molecular consequence: missense variant.
Genome position (GRCh38, 1-based): chr11:66,230,646, G>C. VCF-style: chr11-66230646-G-C. GRCh37 (hg19) VCF-style: chr11-65998117-G-C.
Other names: short protein forms Q491H.
Identifiers: ClinVar variation 1773413 (VCV001773413.6), dbSNP rs146266025, ClinGen allele CA6116577.

ClinVar aggregate classification (germline): Uncertain significance. Review status: criteria provided, multiple submitters, no conflicts (2 of 4 stars). 2 submissions from 2 submitters: Uncertain significance (2). Last evaluated 2025-12-16.

Conditions:
Schuurs-Hoeijmakers syndrome. Also called: PACS1-Related Neurodevelopmental Disorder. Identifiers: Orphanet 329224, MedGen C3554343, MONDO:0014006, OMIM 615009.
Inborn genetic diseases. Identifiers: MedGen C0950123, MeSH D030342.

Allele frequency attached by ClinVar (database versions not stated): ExAC 0.00001; ESP Exome Variant Server 0.00008; TOPMed 0.00003.

Submissions (2):

Ambry Genetics
Classification: Uncertain significance for Inborn genetic diseases. Last evaluated: 2025-12-16. Review status: criteria provided, single submitter. Criteria: Ambry Variant Classification Scheme 2023. Collection method: clinical testing. Allele origin: germline.

Labcorp Genetics (formerly Invitae), Labcorp
Classification: Uncertain significance for Schuurs-Hoeijmakers syndrome. Last evaluated: 2025-03-19. Review status: criteria provided, single submitter. Criteria: Invitae Variant Classification Sherloc (09022015). Collection method: clinical testing. Allele origin: germline.
Comment: This sequence change replaces glutamine, which is neutral and polar, with histidine, which is basic and polar, at codon 491 of the PACS1 protein (p.Gln491His). This variant is not present in population databases (gnomAD no frequency). This variant has not been reported in the literature in individuals affected with PACS1-related conditions. ClinVar contains an entry for this variant (Variation ID: 1773413). Invitae Evidence Modeling of protein sequence and biophysical properties (such as structural, functional, and spatial information, amino acid conservation, physicochemical variation, residue mobility, and thermodynamic stability) indicates that this missense variant is not expected to disrupt PACS1 protein function with a negative predictive value of 80%. In summary, the available evidence is currently insufficient to determine the role of this variant in disease. Therefore, it has been classified as a Variant of Uncertain Significance.